The following is an entry in ClinVar:

ClinVar aggregate classification (germline): Pathogenic. Review status: criteria provided, single submitter (1 of 4 stars). 2 submissions from 2 submitters: Pathogenic (1). 1 of the submissions does not count toward it. Last evaluated 2023-06-02.

Conditions:
Diabetes insipidus, nephrogenic, autosomal (NDI2). Also called: Nephrogenic Diabetes Insipidus, Type II; Diabetes insipidus, nephrogenic, 2, autosomal. Identifiers: Orphanet 223, MedGen C1563706, MONDO:0007451, OMIM 125800.

Submissions (2):

Labcorp Genetics (formerly Invitae), Labcorp
Classification: Pathogenic. Last evaluated: 2023-06-02. Review status: criteria provided, single submitter. Criteria: Invitae Variant Classification Sherloc (09022015). Collection method: clinical testing. Allele origin: germline.
Comment: For these reasons, this variant has been classified as Pathogenic. ClinVar contains an entry for this variant (Variation ID: 17831). This premature translational stop signal has been observed in individual(s) with autosomal recessive nephrogenic diabetes insipidus (PMID: 7524315). This variant is not present in population databases (gnomAD no frequency). This sequence change creates a premature translational stop signal (p.Asn123Lysfs*9) in the AQP2 gene. It is expected to result in an absent or disrupted protein product. Loss-of-function variants in AQP2 are known to be pathogenic (PMID: 9024277, 27156763).

OMIM
Classification: Pathogenic for DIABETES INSIPIDUS, NEPHROGENIC, 2, AUTOSOMAL RECESSIVE. Last evaluated: 1994-10-01. Review status: no assertion criteria provided. Collection method: literature only. Allele origin: germline. Not counted in ClinVar's aggregate classification.

Literature cited by the submitters: PubMed 7524315 (cited by Labcorp Genetics (formerly Invitae), Labcorp and OMIM); PubMed 9024277 (cited by Labcorp Genetics (formerly Invitae), Labcorp); PubMed 27156763 (cited by Labcorp Genetics (formerly Invitae), Labcorp).

NM_000486.6(AQP2):c.369del (p.Asn123fs)

Genes: AQP2 (aquaporin 2; plus strand), AQP5-AS1 (AQP5 and AQP2 antisense RNA 2; minus strand). Cytogenetic location: 12q13.12.
Variant type: Deletion.
Coding change: c.369del on transcript NM_000486.6 (MANE Select); coding-DNA position 369, one base deleted (C; older notation c.369delC).
Protein change: p.Asn123fs; shifts the reading frame from asparagine 123.
Molecular consequence: frameshift variant. On other transcripts: non-coding transcript variant (1).
Genome position (GRCh38, 1-based): chr12:49,954,163, C deleted. VCF-style (leftmost placement, unchanged base first): chr12-49954162-AC-A. GRCh37 (hg19) VCF-style: chr12-50347945-AC-A.
Other names: c.369delC (NM_000486.5); short protein forms N123fs.
Identifiers: ClinVar variation 17831 (VCV000017831.9), dbSNP rs1565636541, ClinGen allele CA891843499.